The following is an entry in ClinVar:

ClinVar aggregate classification (germline): Pathogenic. Review status: criteria provided, single submitter (1 of 4 stars). 2 submissions from 2 submitters: Pathogenic (1). 1 of the submissions does not count toward it. Last evaluated 2023-05-22.

Conditions:
Waardenburg syndrome type 4C (WS4C). Also called: WAARDENBURG SYNDROME WITH HIRSCHSPRUNG DISEASE, TYPE 4C. Identifiers: Orphanet 897, MedGen C2750452, MONDO:0013202, OMIM 613266.

Submissions (2):

Labcorp Genetics (formerly Invitae), Labcorp
Classification: Pathogenic. Last evaluated: 2023-05-22. Review status: criteria provided, single submitter. Criteria: Invitae Variant Classification Sherloc (09022015). Collection method: clinical testing. Allele origin: germline.
Comment: This premature translational stop signal has been observed in individual(s) with Waardenburg syndrome (PMID: 9462749). This variant is not present in population databases (gnomAD no frequency). This variant is also known as 1076delGA. ClinVar contains an entry for this variant (Variation ID: 7396). For these reasons, this variant has been classified as Pathogenic. This variant disrupts a region of the SOX10 protein in which other variant(s) (p.Gln399Valfs*2) have been determined to be pathogenic (PMID: 23237859). This suggests that this is a clinically significant region of the protein, and that variants that disrupt it are likely to be disease-causing. This sequence change creates a premature translational stop signal (p.Glu359Aspfs*42) in the SOX10 gene. While this is not anticipated to result in nonsense mediated decay, it is expected to disrupt the last 108 amino acid(s) of the SOX10 protein.

OMIM
Classification: Pathogenic for WAARDENBURG SYNDROME, TYPE 4C. Last evaluated: 1998-02-01. Review status: no assertion criteria provided. Collection method: literature only. Allele origin: germline. Not counted in ClinVar's aggregate classification.

Literature cited by the submitters: PubMed 9462749 (cited by Labcorp Genetics (formerly Invitae), Labcorp and OMIM); PubMed 23237859 (cited by Labcorp Genetics (formerly Invitae), Labcorp).

NM_006941.4(SOX10):c.1077_1078del (p.Glu359fs)

Genes: POLR2F (RNA polymerase II, I and III subunit F; plus strand), SOX10 (SRY-box transcription factor 10; minus strand). Cytogenetic location: 22q13.1.
Variant type: Microsatellite.
Coding change: c.1077_1078del on transcript NM_006941.4 (MANE Select); coding-DNA positions 1077 to 1078, 2 bases deleted (GA; older notation c.1077_1078delGA).
Protein change: p.Glu359fs; shifts the reading frame from glutamic acid 359.
Molecular consequence: frameshift variant. On other transcripts: intron variant (3).
Genome position (GRCh38, 1-based): chr22:37,973,818-37,973,819, TC deleted on the plus strand (GA on the coding strand, the reverse complement: SOX10 is on the minus strand); deleting any 2 consecutive bases within chr22:37,973,818-37,973,822 gives the same sequence; the c. name uses the placement nearest the transcript's 3' end. VCF-style (leftmost placement, unchanged base first): chr22-37973817-GTC-G. GRCh37 (hg19) VCF-style: chr22-38369824-GTC-G.
Other names: c.*38+1511_*38+1512del (NM_001363825.1); c.293+6651_293+6652del (NM_001301130.2, NM_001301131.2); c.1077_1078del (NM_006941.3); short protein forms E359fs.
Identifiers: ClinVar variation 7396 (VCV000007396.7), dbSNP rs397515367, ClinGen allele CA118756.